The following is an entry in ClinVar:

NM_002439.5(MSH3):c.1871dup (p.Leu625fs)

Gene: MSH3 (mutS homolog 3; plus strand). Cytogenetic location: 5q14.1.
Variant type: Duplication.
Coding change: c.1871dup on transcript NM_002439.5 (MANE Select); coding-DNA position 1871, one base duplicated (G; older notation c.1871dupG).
Protein change: p.Leu625fs; shifts the reading frame from leucine 625.
Molecular consequence: frameshift variant.
Genome position (GRCh38, 1-based): chr5:80,761,653, G duplicated; the last of 4 consecutive G bases (chr5:80,761,650-80,761,653); duplicating any one gives the same sequence. VCF-style (leftmost placement, unchanged base first): chr5-80761649-A-AG. GRCh37 (hg19) VCF-style: chr5-80057468-A-AG.
Other names: short protein forms L625fs.
Identifiers: ClinVar variation 4071364 (VCV004071364.1).
Genomic context (GRCh38, chr5:80,761,649, plus strand): 5'-TCAGAATCTAGTGTGTTTGGTCAGATAGAAAATCATCTACGTAAATTGCCCGACATAGAG[A>AG]GGGGACTCTGTAGCATTTATCACAAAAAAGTAAGTGTGATAGAAATCTATTAAAGCTGAC-3'

ClinVar aggregate classification (germline): Pathogenic (1 of 4 stars; one submission).

Conditions:
Familial adenomatous polyposis 4 (FAP4). Also called: MSH3-related attenuated familial adenomatous polyposis. Identifiers: Orphanet 480536, MedGen C4310719, MONDO:0044300, OMIM 617100.

Submission:

Myriad Genetics, Inc.
Classification: Pathogenic for Familial adenomatous polyposis 4. Last evaluated: 2025-04-04. Review status: criteria provided, single submitter. Criteria: Myriad Autosomal Dominant, Autosomal Recessive and X-Linked Classification Criteria (2023). Collection method: clinical testing. Allele origin: unknown.
Comment: This variant is considered pathogenic. This variant creates a frameshift predicted to result in premature protein truncation.